The following is an entry in ClinVar:

ClinVar aggregate classification (germline): Uncertain significance (1 of 4 stars; one submission).

Submission:

Labcorp Genetics (formerly Invitae), Labcorp
Classification: Uncertain significance. Last evaluated: 2024-02-05. Review status: criteria provided, single submitter. Criteria: Invitae Variant Classification Sherloc (09022015). Collection method: clinical testing. Allele origin: germline.
Comment: This sequence change replaces leucine, which is neutral and non-polar, with phenylalanine, which is neutral and non-polar, at codon 714 of the RAI1 protein (p.Leu714Phe). This variant is present in population databases (rs758949223, gnomAD 0.003%). This variant has not been reported in the literature in individuals affected with RAI1-related conditions. Advanced modeling of protein sequence and biophysical properties (such as structural, functional, and spatial information, amino acid conservation, physicochemical variation, residue mobility, and thermodynamic stability) performed at Invitae indicates that this missense variant is not expected to disrupt RAI1 protein function with a negative predictive value of 80%. In summary, the available evidence is currently insufficient to determine the role of this variant in disease. Therefore, it has been classified as a Variant of Uncertain Significance.

NM_030665.4(RAI1):c.2140C>T (p.Leu714Phe)

Gene: RAI1 (retinoic acid induced 1; plus strand). Cytogenetic location: 17p11.2.
Variant type: single nucleotide variant.
Coding change: c.2140C>T on transcript NM_030665.4 (MANE Select); coding-DNA position 2140, C replaced by T.
Protein change: p.Leu714Phe; replaces leucine 714 with phenylalanine.
Molecular consequence: missense variant.
Genome position (GRCh38, 1-based): chr17:17,795,088, C>T. VCF-style: chr17-17795088-C-T. GRCh37 (hg19) VCF-style: chr17-17698402-C-T.
Other names: short protein forms L714F.
Identifiers: ClinVar variation 3691703 (VCV003691703.2).